The following is an entry in ClinVar:

NM_004820.5(CYP7B1):c.887A>C (p.Asn296Thr)

Gene: CYP7B1 (cytochrome P450 family 7 subfamily B member 1; minus strand). Cytogenetic location: 8q12.3.
Variant type: single nucleotide variant.
Coding change: c.887A>C on transcript NM_004820.5 (MANE Select); coding-DNA position 887, A replaced by C.
Protein change: p.Asn296Thr; replaces asparagine 296 with threonine.
Molecular consequence: missense variant.
Genome position (GRCh38, 1-based): chr8:64,615,196, T>G on the plus strand (A>C on the coding strand, the complement: CYP7B1 is on the minus strand). VCF-style: chr8-64615196-T-G. GRCh37 (hg19) VCF-style: chr8-65527753-T-G.
Other names: c.887A>C, p.Asn296Thr (NM_001324112.2); short protein forms N296T.
Identifiers: ClinVar variation 4691043 (VCV004691043.1).

ClinVar aggregate classification (germline): Uncertain significance (1 of 4 stars; one submission).

Conditions:
Spastic paraplegia. Identifiers: MedGen C0037772, HP:0001258.

gnomAD v4.1: 2 of 1,613,348 alleles (0.00012%); highest among the groups gnomAD compares: Non-Finnish European, 0.00017%; no homozygotes.

Submission:

Labcorp Genetics (formerly Invitae), Labcorp
Classification: Uncertain significance for Spastic paraplegia. Last evaluated: 2025-05-28. Review status: criteria provided, single submitter. Criteria: Invitae Variant Classification Sherloc (09022015). Collection method: clinical testing. Allele origin: germline.
Comment: This sequence change replaces asparagine, which is neutral and polar, with threonine, which is neutral and polar, at codon 296 of the CYP7B1 protein (p.Asn296Thr). This variant is not present in population databases (gnomAD no frequency). This missense change has been observed in individual(s) with hereditary spastic paraplegia (PMID: 34782662). Invitae Evidence Modeling of protein sequence and biophysical properties (such as structural, functional, and spatial information, amino acid conservation, physicochemical variation, residue mobility, and thermodynamic stability) indicates that this missense variant is expected to disrupt CYP7B1 protein function with a positive predictive value of 95%. In summary, the available evidence is currently insufficient to determine the role of this variant in disease. Therefore, it has been classified as a Variant of Uncertain Significance.

Literature cited by the submitters: PubMed 34782662.